The following is an entry in ClinVar:

NM_000718.4(CACNA1B):c.5270C>G (p.Ser1757Cys)

Gene: CACNA1B (calcium voltage-gated channel subunit alpha1 B; plus strand). Cytogenetic location: 9q34.3.
Variant type: single nucleotide variant.
Coding change: c.5270C>G on transcript NM_000718.4 (MANE Select); coding-DNA position 5270, C replaced by G.
Protein change: p.Ser1757Cys; replaces serine 1757 with cysteine.
Molecular consequence: missense variant.
Genome position (GRCh38, 1-based): chr9:138,102,758, C>G. VCF-style: chr9-138102758-C-G. GRCh37 (hg19) VCF-style: chr9-140997210-C-G.
Other names: c.5270C>G, p.Ser1757Cys (NM_001243812.2); c.5270C>G (NM_000718.3); short protein forms S1757C.
Identifiers: ClinVar variation 2131677 (VCV002131677.3), dbSNP rs1424160364, ClinGen allele CA375813220.
Genomic context (GRCh38, chr9:138,102,758, plus strand): 5'-GACGGGTTTCCAGTGGGCGCATCAGTTACAATGACATGTTTGAGATGCTGAAACACATGT[C>G]CCCGCCTCTGGGGCTGGGGAAGAAATGCCCTGCTCGAGTTGCTTACAAGGTAGACCCTGA-3'
Protein context (NP_000709.1, residues 1747-1767): NDMFEMLKHM[Ser1757Cys]PPLGLGKKCP

ClinVar aggregate classification (germline): Uncertain significance. Review status: criteria provided, multiple submitters, no conflicts (2 of 4 stars). 2 submissions from 2 submitters: Uncertain significance (2). Last evaluated 2024-12-11.

gnomAD v4.1: 1 of 1,613,064 alleles (0.000062%); highest among the groups gnomAD compares: African/African-American, 0.0013%; no homozygotes.

Submissions (2):

Ambry Genetics
Classification: Uncertain significance. Last evaluated: 2024-12-11. Review status: criteria provided, single submitter. Criteria: Ambry Variant Classification Scheme 2023. Collection method: clinical testing. Allele origin: germline.

Labcorp Genetics (formerly Invitae), Labcorp
Classification: Uncertain significance. Last evaluated: 2022-05-10. Review status: criteria provided, single submitter. Criteria: Invitae Variant Classification Sherloc (09022015). Collection method: clinical testing. Allele origin: germline.
Comment: This sequence change replaces serine, which is neutral and polar, with cysteine, which is neutral and slightly polar, at codon 1757 of the CACNA1B protein (p.Ser1757Cys). This variant is present in population databases (no rsID available, gnomAD 0.01%). This variant has not been reported in the literature in individuals affected with CACNA1B-related conditions. Advanced modeling of protein sequence and biophysical properties (such as structural, functional, and spatial information, amino acid conservation, physicochemical variation, residue mobility, and thermodynamic stability) performed at Invitae indicates that this missense variant is not expected to disrupt CACNA1B protein function. In summary, the available evidence is currently insufficient to determine the role of this variant in disease. Therefore, it has been classified as a Variant of Uncertain Significance.